The following is an entry in ClinVar:

NM_005633.4(SOS1):c.2231G>C (p.Arg744Thr)

Gene: SOS1 (SOS Ras/Rac guanine nucleotide exchange factor 1; minus strand). Cytogenetic location: 2p22.1.
Variant type: single nucleotide variant.
Coding change: c.2231G>C on transcript NM_005633.4 (MANE Select); coding-DNA position 2231, G replaced by C.
Protein change: p.Arg744Thr; replaces arginine 744 with threonine.
Molecular consequence: missense variant.
Genome position (GRCh38, 1-based): chr2:39,012,285, C>G on the plus strand (G>C on the coding strand, the complement: SOS1 is on the minus strand). VCF-style: chr2-39012285-C-G. GRCh37 (hg19) VCF-style: chr2-39239426-C-G.
Other names: c.2210G>C, p.Arg737Thr (NM_001382394.1); c.2231G>C, p.Arg744Thr (NM_001382395.1); short protein forms R744T, R737T.
Identifiers: ClinVar variation 4715595 (VCV004715595.1).

ClinVar aggregate classification (germline): Uncertain significance (1 of 4 stars; one submission).

Conditions:
RASopathy. Also called: rasopathies; Noonan spectrum disorder. Identifiers: Orphanet 536391, MedGen C5555857, MONDO:0021060.

Submission:

Labcorp Genetics (formerly Invitae), Labcorp
Classification: Uncertain significance for RASopathy. Last evaluated: 2025-11-25. Review status: criteria provided, single submitter. Criteria: Invitae Variant Classification Sherloc (09022015). Collection method: clinical testing. Allele origin: germline.
Comment: This sequence change replaces arginine, which is basic and polar, with threonine, which is neutral and polar, at codon 744 of the SOS1 protein (p.Arg744Thr). This variant is not present in population databases (gnomAD no frequency). This variant has not been reported in the literature in individuals affected with SOS1-related conditions. Invitae Evidence Modeling of protein sequence and biophysical properties (such as structural, functional, and spatial information, amino acid conservation, physicochemical variation, residue mobility, and thermodynamic stability) indicates that this missense variant is not expected to disrupt SOS1 protein function with a negative predictive value of 95%. In summary, the available evidence is currently insufficient to determine the role of this variant in disease. Therefore, it has been classified as a Variant of Uncertain Significance.